The following is an entry in ClinVar:

ClinVar aggregate classification (germline): Pathogenic. Review status: reviewed by expert panel (3 of 4 stars). 5 submissions from 5 submitters: Pathogenic (1). 4 of the submissions do not count toward it. Last evaluated 2025-09-05.

Conditions:
RPGR-related retinopathy. Also called: RPGR retinopathy. Identifiers: MedGen CN305589, MONDO:0100437.
Primary ciliary dyskinesia. Also called: Ciliary dyskinesia. Identifiers: Orphanet 244, MedGen C0008780, MONDO:0016575, HP:0012265.
RPGR-related disorder. Also called: RPGR-related condition.

Submissions (5):

ClinGen X-linked Inherited Retinal Disease Variant Curation Expert Panel, ClinGen
Classification: Pathogenic for RPGR-related retinopathy. Last evaluated: 2025-09-05. Review status: reviewed by expert panel. Criteria: ClinGen X LinkedIRD ACMG Specifications RPGR V1.0.0. Collection method: curation. Allele origin: germline. Inheritance: X-linked inheritance.
Comment: NM_001034853.2(RPGR):c.2625dup (p.Gly876ArgfsTer?) is a frameshift variant due to a one-nucleotide insertion introducing a premature stop codon into exon 15 of 15 after 203 amino acids and causing a truncated protein, which is predicted to disrupt a critical C-terminal region required for proper glutamylation of RPGR (PVS1, PMID: 36445968). This variant is absent from gnomAD v4.1.0 (PM2_Supporting). This variant has been reported in at least 2 apparently unrelated probands meeting one of the PS4 requirements of a male with some functional vision impairment by age 30 years and/or decreased or absent electroretinogram responses, or a female with functional visual abnormality and documentation of a male relative affected with retinitis pigmentosa (PMID: 21857984, PMID: 28738413, PS4_Supporting). In summary, this variant is classified as pathogenic for RPGR-related retinopathy based on the ClinGen X-linked Inherited Retinal Disease Expert Panel Specifications to the ACMG/AMP Variant Interpretation Guidelines for RPGR Version 1.0.0: PVS1, PS4_Supporting, and PM2_Supporting.

Blueprint Genetics
Classification: Pathogenic for RPGR-related disorders. Last evaluated: 2024-05-23. Review status: criteria provided, single submitter. Criteria: ACMG Guidelines, 2015. Collection method: clinical testing. Allele origin: germline. Affected: yes. Observed: 5 variant alleles. Not counted in ClinVar's aggregate classification.

Broad Center for Mendelian Genomics, Broad Institute of MIT and Harvard
Classification: Likely pathogenic for RPGR-related retinopathy. Last evaluated: 2023-05-02. Review status: criteria provided, single submitter. Criteria: ACMG Guidelines, 2015. Collection method: curation. Allele origin: germline. Inheritance: X-linked inheritance. Not counted in ClinVar's aggregate classification.
Comment: The p.Gly876ArgfsTer203 variant in RPGR has been previously reported in 7 unrelated individuals with retinitis pigmentosa 3 (PMID: 28322733, PMID: 28738413, PMID: 28798898, PMID: 22581970, PMID: 23372056, PMID: 31645972, PMID: 10932196). The number of reported affected individuals with this variant is greater than expected compared to non-affected individuals with this variant. This variant was absent from large population studies. This variant is predicted to cause a frameshift, which alters the protein‚Äôs amino acid sequence beginning at position 876 and leads to a premature termination codon 203 amino acids downstream. This termination codon occurs within the last exon and is more likely to escape nonsense mediated decay (NMD) and result in a truncated protein. Loss of function of the RPGR gene is an established disease mechanism in X-linked retinitis pigmentosa 3. In summary, although additional studies are required to fully establish its clinical significance, this variant is likely pathogenic for X-linked retinitis pigmentosa 3. ACMG/AMP Criteria applied: PVS1_Moderate, PS4, PM2_Supporting (Richards 2015).

Labcorp Genetics (formerly Invitae), Labcorp
Classification: Pathogenic for Primary ciliary dyskinesia. Last evaluated: 2021-12-08. Review status: criteria provided, single submitter. Criteria: Invitae Variant Classification Sherloc (09022015). Collection method: clinical testing. Allele origin: germline. Not counted in ClinVar's aggregate classification.
Comment: For these reasons, this variant has been classified as Pathogenic. This variant disrupts a region of the RPGR (ORF15) protein in which other variant(s) (p.Leu1130Lysfs*13) have been determined to be pathogenic (PMID: 22264887). This suggests that this is a clinically significant region of the protein, and that variants that disrupt it are likely to be disease-causing. This variant is also known as g.ORF15+872_873insA and g.ORF15+872dup. This premature translational stop signal has been observed in individuals with retinitis pigmentosa (PMID: 10932196, 28322733). The frequency data for this variant in the population databases is considered unreliable, as metrics indicate insufficient coverage at this position in the gnomAD database. This sequence change creates a premature translational stop signal (p.Gly876Argfs*203) in the RPGR (ORF15) gene. While this is not anticipated to result in nonsense mediated decay, it is expected to disrupt the last 277 amino acid(s) of the RPGR (ORF15) protein.

PreventionGenetics, part of Exact Sciences
Classification: Pathogenic. Last evaluated: 2017-06-11. Review status: criteria provided, single submitter. Criteria: ACMG Guidelines, 2015. Collection method: clinical testing. Allele origin: germline. Not counted in ClinVar's aggregate classification.

Literature cited by the submitters: PubMed 22264887 (cited by Labcorp Genetics (formerly Invitae), Labcorp); PubMed 10932196 (cited by Labcorp Genetics (formerly Invitae), Labcorp); PubMed 28322733 (cited by Labcorp Genetics (formerly Invitae), Labcorp).

NM_001034853.2(RPGR):c.2625dup (p.Gly876fs)

Gene: RPGR (retinitis pigmentosa GTPase regulator; minus strand). Cytogenetic location: Xp11.4.
Variant type: Duplication.
Coding change: c.2625dup on transcript NM_001034853.2 (MANE Select); coding-DNA position 2625, one base duplicated (A; older notation c.2625dupA).
Protein change: p.Gly876fs; shifts the reading frame from glycine 876.
Molecular consequence: frameshift variant. On other transcripts: intron variant (8).
Genome position (GRCh38, 1-based): chrX:38,286,374, T duplicated on the plus strand (A on the coding strand, the reverse complement: RPGR is on the minus strand); the first of 2 consecutive T bases (chrX:38,286,374-38,286,375); duplicating either gives the same sequence. VCF-style (leftmost placement, unchanged base first): chrX-38286373-C-CT. GRCh37 (hg19) VCF-style: chrX-38145626-C-CT.
Other names: NM_001034853.2:c.2625dup; NM_001034853.2(RPGR):c.2625dup; p.Gly876fs; c.1569+4585dup (NM_001367249.1, NM_001367250.1); c.1902+720dup (NM_001367245.1); c.1386+4585dup (NM_001367251.1); c.1719+720dup (NM_001367246.1); c.1572+4585dup (NM_001367247.1); and 2 more; short protein forms G876fs.
Identifiers: ClinVar variation 1802365 (VCV001802365.10), dbSNP rs2519788844, ClinGen allele CA2579984167.